The following is an entry in ClinVar:

ClinVar aggregate classification (germline): Uncertain significance (1 of 4 stars; one submission).

Conditions:
Developmental and epileptic encephalopathy, 53. Also called: Epileptic encephalopathy, early infantile, 53. Identifiers: MedGen C4479313, MONDO:0033362, OMIM 617389.
Early-onset Parkinson disease 20. Also called: PARKINSON DISEASE 20, AUTOSOMAL RECESSIVE EARLY-ONSET. Identifiers: Orphanet 391411, MedGen C3809824, MONDO:0014233, OMIM 615530.

Submission:

Labcorp Genetics (formerly Invitae), Labcorp
Classification: Uncertain significance for Developmental and epileptic encephalopathy, 53; Early-onset Parkinson disease 20. Last evaluated: 2020-11-23. Review status: criteria provided, single submitter. Criteria: Invitae Variant Classification Sherloc (09022015). Collection method: clinical testing. Allele origin: germline.
Comment: In summary, the available evidence is currently insufficient to determine the role of this variant in disease. Therefore, it has been classified as a Variant of Uncertain Significance. Algorithms developed to predict the effect of missense changes on protein structure and function output the following: SIFT: "Tolerated"; PolyPhen-2: "Benign"; Align-GVGD: "Class C0". The glycine amino acid residue is found in multiple mammalian species, suggesting that this missense change does not adversely affect protein function. These predictions have not been confirmed by published functional studies and their clinical significance is uncertain. This variant has not been reported in the literature in individuals with SYNJ1-related conditions. This variant is not present in population databases (ExAC no frequency). This sequence change replaces alanine with glycine at codon 1296 of the SYNJ1 protein (p.Ala1296Gly). The alanine residue is weakly conserved and there is a small physicochemical difference between alanine and glycine.

NM_203446.3(SYNJ1):c.3770C>G (p.Ala1257Gly)

Gene: SYNJ1 (synaptojanin 1; minus strand). Cytogenetic location: 21q22.11.
Variant type: single nucleotide variant.
Coding change: c.3770C>G on transcript NM_203446.3 (MANE Select); coding-DNA position 3770, C replaced by G.
Protein change: p.Ala1257Gly; replaces alanine 1257 with glycine.
Molecular consequence: missense variant.
Genome position (GRCh38, 1-based): chr21:32,639,053, G>C on the plus strand (C>G on the coding strand, the complement: SYNJ1 is on the minus strand). VCF-style: chr21-32639053-G-C. GRCh37 (hg19) VCF-style: chr21-34011363-G-C.
Other names: c.3722C>G, p.Ala1241Gly (NM_001160302.2); c.3629C>G, p.Ala1210Gly (NM_001160306.2); c.3887C>G, p.Ala1296Gly (NM_003895.4); short protein forms A1210G, A1296G, A1257G, A1241G.
Identifiers: ClinVar variation 1502735 (VCV001502735.8), dbSNP rs780163347, ClinGen allele CA410087103.